The following is an entry in ClinVar:

NM_032043.3(BRIP1):c.1627A>C (p.Arg543=)

Gene: BRIP1 (BRCA1 interacting DNA helicase 1; minus strand). Cytogenetic location: 17q23.2.
Variant type: single nucleotide variant.
Coding change: c.1627A>C on transcript NM_032043.3 (MANE Select); coding-DNA position 1627, A replaced by C.
Protein change: p.Arg543=; no amino-acid change (arginine 543 retained).
Molecular consequence: synonymous variant.
Genome position (GRCh38, 1-based): chr17:61,784,271, T>G on the plus strand (A>C on the coding strand, the complement: BRIP1 is on the minus strand). VCF-style: chr17-61784271-T-G. GRCh37 (hg19) VCF-style: chr17-59861632-T-G.
Identifiers: ClinVar variation 1776717 (VCV001776717.2), dbSNP rs2145134803, ClinGen allele CA501150678.

ClinVar aggregate classification (germline): Uncertain significance (1 of 4 stars; one submission).

Conditions:
Hereditary cancer-predisposing syndrome. Also called: Neoplastic Syndromes, Hereditary; Tumor predisposition; Hereditary Cancer Syndrome; Hereditary neoplastic syndrome. Identifiers: Orphanet 140162, MedGen C0027672, MeSH D009386, MONDO:0015356.

Submission:

Ambry Genetics
Classification: Uncertain significance for Hereditary cancer-predisposing syndrome. Last evaluated: 2021-07-08. Review status: criteria provided, single submitter. Criteria: Ambry Variant Classification Scheme 2023. Collection method: clinical testing. Allele origin: germline.
Comment: The c.1627A>C variant (also known as p.R543R), located in coding exon 10 of the BRIP1 gene, results from an A to C substitution at nucleotide position 1627. This nucleotide substitution does not change the at codon 543. This nucleotide position is highly conserved in available vertebrate species. In silico splice site analysis for this alteration is inconclusive. Since supporting evidence is limited at this time, the clinical significance of this alteration remains unclear.